The following is an entry in ClinVar:

ClinVar aggregate classification (germline): Uncertain significance (1 of 4 stars; one submission).

Allele frequency attached by ClinVar (database versions not stated): gnomAD exomes below 0.00001; ExAC 0.00011.
gnomAD v4.1: 1 of 1,439,758 alleles (0.000069%); highest among the groups gnomAD compares: South Asian, 0.0013%; no homozygotes.

Submission:

Labcorp Genetics (formerly Invitae), Labcorp
Classification: Uncertain significance. Last evaluated: 2022-08-31. Review status: criteria provided, single submitter. Criteria: Invitae Variant Classification Sherloc (09022015). Collection method: clinical testing. Allele origin: germline.
Comment: This variant has not been reported in the literature in individuals affected with CTF1-related conditions. In summary, the available evidence is currently insufficient to determine the role of this variant in disease. Therefore, it has been classified as a Variant of Uncertain Significance. Algorithms developed to predict the effect of missense changes on protein structure and function (SIFT, PolyPhen-2, Align-GVGD) all suggest that this variant is likely to be disruptive. This variant is present in population databases (rs747626468, gnomAD 0.006%). This sequence change replaces glycine, which is neutral and non-polar, with glutamic acid, which is acidic and polar, at codon 53 of the CTF1 protein (p.Gly53Glu).

NM_001330.5(CTF1):c.158G>A (p.Gly53Glu)

Genes: CTF1 (cardiotrophin 1; plus strand), LOC130058878 (ATAC-STARR-seq lymphoblastoid silent region 7400; plus strand). Cytogenetic location: 16p11.2.
Variant type: single nucleotide variant.
Coding change: c.158G>A on transcript NM_001330.5 (MANE Select); coding-DNA position 158, G replaced by A.
Protein change: p.Gly53Glu; replaces glycine 53 with glutamic acid.
Molecular consequence: missense variant. On other transcripts: non-coding transcript variant (1).
Genome position (GRCh38, 1-based): chr16:30,902,091, G>A. VCF-style: chr16-30902091-G-A. GRCh37 (hg19) VCF-style: chr16-30913412-G-A.
Other names: c.155G>A, p.Gly52Glu (NM_001142544.3); short protein forms G53E, G52E.
Identifiers: ClinVar variation 1944915 (VCV001944915.5), dbSNP rs747626468, ClinGen allele CA8015496.